The following is an entry in ClinVar:

NM_001197104.2(KMT2A):c.2429_2430insG (p.Glu811fs)

Gene: KMT2A (lysine methyltransferase 2A; plus strand). Cytogenetic location: 11q23.3.
Variant type: Insertion.
Coding change: c.2429_2430insG on transcript NM_001197104.2 (MANE Select); coding-DNA positions 2429 to 2430, G inserted.
Protein change: p.Glu811fs; shifts the reading frame from glutamic acid 811.
Molecular consequence: frameshift variant.
Genome position: GRCh38 VCF-style: chr11-118473588-C-CG. GRCh37 (hg19) VCF-style: chr11-118344303-C-CG.
Other names: c.2528_2529insG, p.Glu844Argfs (NM_001412597.1); c.2429_2430insG, p.Glu811fs (NM_005933.4); short protein forms E811fs.
Identifiers: ClinVar variation 1806293 (VCV001806293.1), dbSNP rs2496810418, ClinGen allele CA923726118.
Genomic context (GRCh38, chr11:118,473,588, plus strand): 5'-GTGCCTTAAACCCAACTTTTACTTTTCCTTCTCATTCCCTGACTCAGTCTGGGGAATCTG[C>CG]AGAGAAAAATCAGAGACCAAGGAAGCAGACTAGTGCTCCGGCAGAGCCATTTTCATCAAG-3'

ClinVar aggregate classification (germline): Pathogenic (1 of 4 stars; one submission).

Conditions:
Wiedemann-Steiner syndrome (WDSTS). Also called: Growth deficiency and mental retardation with facial dysmorphism. Identifiers: Orphanet 319182, MedGen C1854630, MONDO:0011518, OMIM 605130.

Submission:

Victorian Clinical Genetics Services, Murdoch Childrens Research Institute
Classification: Pathogenic for Wiedemann-Steiner syndrome. Last evaluated: 2020-05-26. Review status: criteria provided, single submitter. Criteria: ACMG Guidelines, 2015. Collection method: clinical testing. Allele origin: germline. Inheritance: Autosomal dominant inheritance. Affected: yes.
Comment: Based on the classification scheme VCGS_Germline_v1.1.1, this variant is classified as 5 - Pathogenic. Following criteria are met: 0102 - Loss-of-function is a known mechanism of disease for this gene. (N) 0107 - This gene is known to be associated with autosomal dominant disease. (N) 0201 - Variant is predicted to cause nonsense-mediated decay (NMD) and loss of protein (exon 3 of 36). (P) 0251 - Variant is heterozygous. (N) 0301 - Variant is absent from gnomAD. (P) 0701 - Comparable variants have very strong previous evidence for pathogenicity. Other variants predicted to cause NMD have been reported as pathogenic in individuals with Wiedemann-Steiner syndrome (ClinVar, Decipher). (P) 0807 - Variant has not previously been reported in a clinical context. (N) 0905 - No segregation evidence has been identified for this variant. (N) 1101 - Very strong and specific phenotype match. (P) 1007 - No published functional evidence has been identified for this variant. (N) 1208 - Inheritance information for this variant is not currently available. (N) Legend: (P) - Pathogenic, (N) - Neutral, (B) - Benign